The following is an entry in ClinVar:

ClinVar aggregate classification (germline): Likely benign. Review status: criteria provided, multiple submitters, no conflicts (2 of 4 stars). 3 submissions from 3 submitters: Likely benign (3). Last evaluated 2025-06-09.

Conditions:
Hereditary sensory and autonomic neuropathy type 1 (HSAN1). Also called: HSAN 1; HSN Type I; Hereditary Sensory Neuropathy Type I. Identifiers: Orphanet 36386, MedGen C0020071, MONDO:0018213.
Inborn genetic diseases. Identifiers: MedGen C0950123, MeSH D030342.

Allele frequency attached by ClinVar (database versions not stated): gnomAD exomes 0.00003; gnomAD 0.00005 and 0.00004; ExAC 0.00001; TOPMed 0.00006; ESP Exome Variant Server 0.00015.
gnomAD v4.1: 48 of 1,605,750 alleles (0.003%); highest among the groups gnomAD compares: Middle Eastern, 0.023%; no homozygotes.

Submissions (3):

Labcorp Genetics (formerly Invitae), Labcorp
Classification: Likely benign for Hereditary sensory and autonomic neuropathy type 1. Last evaluated: 2025-06-09. Review status: criteria provided, single submitter. Criteria: Invitae Variant Classification Sherloc (09022015). Collection method: clinical testing. Allele origin: germline.

Ambry Genetics
Classification: Likely benign for Inborn genetic diseases. Last evaluated: 2019-07-11. Review status: criteria provided, single submitter. Criteria: Ambry Variant Classification Scheme 2023. Collection method: clinical testing. Allele origin: germline.

GeneDx
Classification: Likely benign. Last evaluated: 2017-01-26. Review status: criteria provided, single submitter. Criteria: GeneDx Variant Classification (06012015). Collection method: clinical testing. Allele origin: germline. Affected: yes.
Comment: This variant is considered likely benign or benign based on one or more of the following criteria: it is a conservative change, it occurs at a poorly conserved position in the protein, it is predicted to be benign by multiple in silico algorithms, and/or has population frequency not consistent with disease.

NM_006415.4(SPTLC1):c.252C>T (p.Ile84=)

Gene: SPTLC1 (serine palmitoyltransferase long chain base subunit 1; minus strand). Cytogenetic location: 9q22.31.
Variant type: single nucleotide variant.
Coding change: c.252C>T on transcript NM_006415.4 (MANE Select); coding-DNA position 252, C replaced by T.
Protein change: p.Ile84=; no amino-acid change (isoleucine 84 retained).
Molecular consequence: synonymous variant. On other transcripts: 5 prime UTR variant (2).
Genome position (GRCh38, 1-based): chr9:92,108,748, G>A on the plus strand (C>T on the coding strand, the complement: SPTLC1 is on the minus strand). VCF-style: chr9-92108748-G-A. GRCh37 (hg19) VCF-style: chr9-94871030-G-A.
Other names: c.252C>T (LRG_272t1); c.252C>T, p.Ile84= (NM_001281303.2, NM_178324.3); c.-248C>T (NM_001368272.1); c.-214C>T (NM_001368273.1).
Identifiers: ClinVar variation 506871 (VCV000506871.12), dbSNP rs150461552, ClinGen allele CA5121642.